The following is an entry in ClinVar:

NM_015559.3(SETBP1):c.1243A>T (p.Asn415Tyr)

Gene: SETBP1 (SET binding protein 1; plus strand). Cytogenetic location: 18q12.3.
Variant type: single nucleotide variant.
Coding change: c.1243A>T on transcript NM_015559.3 (MANE Select); coding-DNA position 1243, A replaced by T.
Protein change: p.Asn415Tyr; replaces asparagine 415 with tyrosine.
Molecular consequence: missense variant.
Genome position (GRCh38, 1-based): chr18:44,950,583, A>T. VCF-style: chr18-44950583-A-T. GRCh37 (hg19) VCF-style: chr18-42530548-A-T.
Other names: c.1243A>T, p.Asn415Tyr (NM_001379141.1, NM_001379142.1); short protein forms N415Y.
Identifiers: ClinVar variation 1030514 (VCV001030514.9), dbSNP rs780597341, ClinGen allele CA402318101.

ClinVar aggregate classification (germline): Conflicting classifications of pathogenicity. Review status: criteria provided, conflicting classifications (1 of 4 stars). 3 submissions from 3 submitters: Uncertain significance (2); Benign (1). Last evaluated 2025-05-20.

Conditions:
Intellectual developmental disorder, autosomal dominant 29. Also called: SETBP1 Haploinsufficiency Disorder; Intellectual disability, autosomal dominant 29. Identifiers: Orphanet 436151, MedGen C4015141, MONDO:0014482, OMIM 616078.
Inborn genetic diseases. Identifiers: MedGen C0950123, MeSH D030342.

gnomAD v4.1: 7 of 1,614,108 alleles (0.00043%); highest among the groups gnomAD compares: Non-Finnish European, 0.00059%; no homozygotes.

Submissions (3):

Ambry Genetics
Classification: Uncertain significance for Inborn genetic diseases. Last evaluated: 2025-05-20. Review status: criteria provided, single submitter. Criteria: Ambry Variant Classification Scheme 2023. Collection method: clinical testing. Allele origin: germline.

Labcorp Genetics (formerly Invitae), Labcorp
Classification: Benign. Last evaluated: 2023-09-22. Review status: criteria provided, single submitter. Criteria: Invitae Variant Classification Sherloc (09022015). Collection method: clinical testing. Allele origin: germline.

Baylor Genetics
Classification: Uncertain significance for Intellectual developmental disorder, autosomal dominant 29. Last evaluated: 2019-03-07. Review status: criteria provided, single submitter. Criteria: ACMG Guidelines, 2015. Collection method: clinical testing. Allele origin: paternal. Affected: yes.
Comment: This variant was determined to be of uncertain significance according to ACMG Guidelines, 2015 [PMID:25741868].